The following is an entry in ClinVar:

ClinVar aggregate classification (germline): Uncertain significance (1 of 4 stars; one submission).

Conditions:
Renal carnitine transport defect (CDSP). Also called: Carnitine Deficiency, Systemic; Primary carnitine deficiency; CARNITINE DEFICIENCY, SYSTEMIC, DUE TO DEFECT IN RENAL REABSORPTION OF CARNITINE; CARNITINE TRANSPORTER, PLASMA-MEMBRANE, DEFICIENCY OF; CARNITINE UPTAKE DEFECT; Systemic primary carnitine deficiency disease. Identifiers: Orphanet 158, MedGen C0342788, MONDO:0008919, OMIM 212140.

Allele frequency attached by ClinVar (database versions not stated): gnomAD exomes below 0.00001; TOPMed below 0.00001; gnomAD 0.00001.

Submission:

Labcorp Genetics (formerly Invitae), Labcorp
Classification: Uncertain significance for Renal carnitine transport defect. Last evaluated: 2022-04-21. Review status: criteria provided, single submitter. Criteria: Invitae Variant Classification Sherloc (09022015). Collection method: clinical testing. Allele origin: germline.
Comment: This sequence change replaces serine, which is neutral and polar, with cysteine, which is neutral and slightly polar, at codon 402 of the SLC22A5 protein (p.Ser402Cys). This variant is present in population databases (no rsID available, gnomAD 0.007%). This variant has not been reported in the literature in individuals affected with SLC22A5-related conditions. Advanced modeling of protein sequence and biophysical properties (such as structural, functional, and spatial information, amino acid conservation, physicochemical variation, residue mobility, and thermodynamic stability) performed at Invitae indicates that this missense variant is not expected to disrupt SLC22A5 protein function. In summary, the available evidence is currently insufficient to determine the role of this variant in disease. Therefore, it has been classified as a Variant of Uncertain Significance.

NM_003060.4(SLC22A5):c.1205C>G (p.Ser402Cys)

Gene: SLC22A5 (solute carrier family 22 member 5; plus strand). Cytogenetic location: 5q31.1.
Variant type: single nucleotide variant.
Coding change: c.1205C>G on transcript NM_003060.4 (MANE Select); coding-DNA position 1205, C replaced by G.
Protein change: p.Ser402Cys; replaces serine 402 with cysteine.
Molecular consequence: missense variant.
Genome position (GRCh38, 1-based): chr5:132,390,842, C>G. VCF-style: chr5-132390842-C-G. GRCh37 (hg19) VCF-style: chr5-131726534-C-G.
Other names: c.1277C>G, p.Ser426Cys (NM_001308122.2); short protein forms S402C, S426C.
Identifiers: ClinVar variation 2073959 (VCV002073959.1), dbSNP rs1416890501, ClinGen allele CA360807742.
Genomic context (GRCh38, chr5:132,390,842, plus strand): 5'-TTGAAGTCCCAGCATATGTGTTGGCCTGGCTGCTGCTGCAATATTTGCCCCGGCGCTATT[C>G]CATGGCCACTGCCCTCTTCCTGGGTGGCAGTGTCCTTCTCTTCATGCAGCTGGTACCCCC-3'
Protein context (NP_003051.1, residues 392-412): LLLQYLPRRY[Ser402Cys]MATALFLGGS